The following is an entry in ClinVar:

NM_014844.5(TECPR2):c.3316+112T>C

Gene: TECPR2 (tectonin beta-propeller repeat containing 2; plus strand). Cytogenetic location: 14q32.31.
Variant type: single nucleotide variant.
Coding change: c.3316+112T>C on transcript NM_014844.5 (MANE Select); 112 bases into the intron after coding-DNA position 3316, T replaced by C.
Molecular consequence: intron variant.
Genome position (GRCh38, 1-based): chr14:102,449,981, T>C. VCF-style: chr14-102449981-T-C. GRCh37 (hg19) VCF-style: chr14-102916318-T-C.
Other names: c.3316+112T>C (NM_001172631.3).
Identifiers: ClinVar variation 672802 (VCV000672802.2), dbSNP rs2281702, ClinGen allele CA267071297.
Genomic context (GRCh38, chr14:102,449,981, plus strand): 5'-AAAGCCAACATTTAAAGAAAAGCTTTAAGATCTCAACTTGAAAAGATAATTTAGTGCCAG[T>C]GGTATGAAGTGTCTAGTGGAGGCACTCTATGCTTTGTGATCAGTTTCTCTCCTTTTTAAA-3'

ClinVar aggregate classification (germline): Benign. Review status: criteria provided, multiple submitters, no conflicts (2 of 4 stars). 2 submissions from 2 submitters: Benign (2). Last evaluated 2018-06-14.

Allele frequency attached by ClinVar (database versions not stated): gnomAD exomes 0.03354; gnomAD 0.04157 and 0.04162; 1000 Genomes Project 30x 0.04279; 1000 Genomes Project 0.04313; TOPMed 0.04331.
gnomAD v4.1: 50,995 of 1,479,934 alleles (3.4%); highest among the groups gnomAD compares: African/African-American, 5.6%; 1,013 homozygotes.

Submissions (2):

GeneDx
Classification: Benign. Last evaluated: 2018-06-14. Review status: criteria provided, single submitter. Criteria: GeneDx Variant Classification (06012015). Collection method: clinical testing. Allele origin: germline. Affected: yes.
Comment: This variant is considered likely benign or benign based on one or more of the following criteria: it is a conservative change, it occurs at a poorly conserved position in the protein, it is predicted to be benign by multiple in silico algorithms, and/or has population frequency not consistent with disease.

Breakthrough Genomics
Classification: Benign. Review status: criteria provided, single submitter. Criteria: ACMG Guidelines, 2015. Collection method: not provided. Allele origin: germline. Inheritance: Autosomal recessive inheritance. Affected: yes.